The following is an entry in ClinVar:

NM_006393.3(NEBL):c.154-154T>C

Gene: NEBL (nebulette; minus strand). Cytogenetic location: 10p12.31.
Variant type: single nucleotide variant.
Coding change: c.154-154T>C on transcript NM_006393.3 (MANE Select); 154 bases into the intron before coding-DNA position 154, T replaced by C.
Molecular consequence: intron variant.
Genome position (GRCh38, 1-based): chr10:20,890,103, A>G on the plus strand (T>C on the coding strand, the complement: NEBL is on the minus strand). VCF-style: chr10-20890103-A-G. GRCh37 (hg19) VCF-style: chr10-21179032-A-G.
Other names: c.249+71569T>C (NM_001377326.1, NM_001377327.1, NM_001377328.1); c.357+71569T>C (NM_213569.2, NM_001173484.2, NM_001377322.1); c.300+71569T>C (NM_001377324.1); c.291+71569T>C (NM_001377325.1); c.309+71569T>C (NM_001377323.1).
Identifiers: ClinVar variation 675774 (VCV000675774.1), dbSNP rs146260489, ClinGen allele CA204173434.
Genomic context (GRCh38, chr10:20,890,103, plus strand): 5'-CTGAAGTAAATACTCAAGTGTGAAAGGGACCTCAAAACAAGCCAAGTTAAATAAACGGCT[A>G]TCCAGCACAGGATTGCAAAGATGATGAGGCATAGTGAGGAAAGACCATTCTTTAGATAAG-3'

ClinVar aggregate classification (germline): Likely benign (1 of 4 stars; one submission).

Allele frequency attached by ClinVar (database versions not stated): gnomAD 0.00443 and 0.00477; 1000 Genomes Project 0.00459; TOPMed 0.00485; 1000 Genomes Project 30x 0.00547.
gnomAD v4.1: 670 of 152,320 alleles (0.44%); highest among the groups gnomAD compares: African/African-American, 1.6%; 5 homozygotes.

Submission:

GeneDx
Classification: Likely benign. Last evaluated: 2018-06-14. Review status: criteria provided, single submitter. Criteria: GeneDx Variant Classification (06012015). Collection method: clinical testing. Allele origin: germline. Affected: yes.
Comment: This variant is considered likely benign or benign based on one or more of the following criteria: it is a conservative change, it occurs at a poorly conserved position in the protein, it is predicted to be benign by multiple in silico algorithms, and/or has population frequency not consistent with disease.